The following is an entry in ClinVar:

ClinVar aggregate classification (germline): Uncertain significance. Review status: criteria provided, multiple submitters, no conflicts (2 of 4 stars). 3 submissions from 3 submitters: Uncertain significance (3). Last evaluated 2025-11-23.

Conditions:
Inborn genetic diseases. Identifiers: MedGen C0950123, MeSH D030342.
Joubert syndrome. Also called: CEREBELLOPARENCHYMAL DISORDER IV; JOUBERT-BOLTSHAUSER SYNDROME; Familial aplasia of the vermis. Identifiers: Orphanet 475, MedGen C5979921, MONDO:0018772.
Joubert syndrome 3 (JBTS3). Also called: AHI1-related Ciliopathy. Identifiers: Orphanet 220493, MedGen C1837713, MONDO:0012078, OMIM 608629.

Allele frequency attached by ClinVar (database versions not stated): ExAC 0.00001; gnomAD 0.00001; TOPMed 0.00001.
gnomAD v4.1: 11 of 1,610,656 alleles (0.00068%); highest among the groups gnomAD compares: Middle Eastern, 0.05%; no homozygotes.

Submissions (3):

Ambry Genetics
Classification: Uncertain significance for Inborn genetic diseases. Last evaluated: 2025-11-23. Review status: criteria provided, single submitter. Criteria: Ambry Variant Classification Scheme 2023. Collection method: clinical testing. Allele origin: germline.

Labcorp Genetics (formerly Invitae), Labcorp
Classification: Uncertain significance for Joubert syndrome. Last evaluated: 2024-11-18. Review status: criteria provided, single submitter. Criteria: Invitae Variant Classification Sherloc (09022015). Collection method: clinical testing. Allele origin: germline.
Comment: This sequence change replaces aspartic acid, which is acidic and polar, with glycine, which is neutral and non-polar, at codon 275 of the AHI1 protein (p.Asp275Gly). This variant is present in population databases (rs778231180, gnomAD 0.002%). This variant has not been reported in the literature in individuals affected with AHI1-related conditions. ClinVar contains an entry for this variant (Variation ID: 1354504). Invitae Evidence Modeling of protein sequence and biophysical properties (such as structural, functional, and spatial information, amino acid conservation, physicochemical variation, residue mobility, and thermodynamic stability) indicates that this missense variant is not expected to disrupt AHI1 protein function with a negative predictive value of 95%. In summary, the available evidence is currently insufficient to determine the role of this variant in disease. Therefore, it has been classified as a Variant of Uncertain Significance.

Fulgent Genetics
Classification: Uncertain significance for Joubert syndrome 3. Last evaluated: 2024-03-25. Review status: criteria provided, single submitter. Criteria: ACMG Guidelines, 2015. Collection method: clinical testing. Allele origin: germline.

NM_001134831.2(AHI1):c.824A>G (p.Asp275Gly)

Gene: AHI1 (Abelson helper integration site 1; minus strand). Cytogenetic location: 6q23.3.
Variant type: single nucleotide variant.
Coding change: c.824A>G on transcript NM_001134831.2 (MANE Select); coding-DNA position 824, A replaced by G.
Protein change: p.Asp275Gly; replaces aspartic acid 275 with glycine.
Molecular consequence: missense variant.
Genome position (GRCh38, 1-based): chr6:135,463,232, T>C on the plus strand (A>G on the coding strand, the complement: AHI1 is on the minus strand). VCF-style: chr6-135463232-T-C. GRCh37 (hg19) VCF-style: chr6-135784370-T-C.
Other names: c.824A>G (NM_017651.4); c.824A>G, p.Asp275Gly (NM_001134830.2, NM_001134832.2, NM_001350503.2 and 2 more transcripts); short protein forms D275G.
Identifiers: ClinVar variation 1354504 (VCV001354504.8), dbSNP rs778231180, ClinGen allele CA4012748.